The following is an entry in ClinVar:

ClinVar aggregate classification (germline): Conflicting classifications of pathogenicity. Review status: criteria provided, conflicting classifications (1 of 4 stars). 3 submissions from 3 submitters: Uncertain significance (2); Likely benign (1). Last evaluated 2025-10-17.

Conditions:
Hereditary cancer-predisposing syndrome. Also called: Hereditary Cancer Syndrome; Hereditary neoplastic syndrome; Neoplastic Syndromes, Hereditary; Tumor predisposition. Identifiers: Orphanet 140162, MedGen C0027672, MeSH D009386, MONDO:0015356.

Submissions (3):

Ambry Genetics
Classification: Likely benign for Hereditary cancer-predisposing syndrome. Last evaluated: 2025-10-17. Review status: criteria provided, single submitter. Criteria: Ambry Variant Classification Scheme 2023. Collection method: clinical testing. Allele origin: germline.

Molecular Diagnostics Laboratory, Catalan Institute of Oncology
Classification: Uncertain significance for Hereditary cancer-predisposing syndrome. Last evaluated: 2025-01-22. Review status: criteria provided, single submitter. Criteria: ACMG Guidelines, 2015. Collection method: clinical testing. Allele origin: germline.
Comment: PM2_Supporting c.667G>T, located in exon 4 of the RAD51C gene, is predicted to result in the substitution of Val by Phe at codon 223, p.(Val223Phe). t is not present in the population database gnomAD v2.1.1, non cancer dataset (PM2_supporting). The SpliceAI algorithm predicts no significant impact on splicing, but the REVEL meta-predictor score (0.44) for this variant is indeterminate regarding the effect that it may have on protein function according Pejaver 2022 thresholds (PMID: 36413997). To our knowledge, neither clinical data nor functional studies have been reported for this variant. It has only been reported twice in ClinVar, as an uncertain significance variant. Based on currently available information, the variant c.667G>T should be considered an uncertain significance variant.

Sema4
Classification: Uncertain significance for Hereditary cancer-predisposing syndrome. Last evaluated: 2021-05-14. Review status: criteria provided, single submitter. Criteria: Sema4 Curation Guidelines. Collection method: curation. Allele origin: germline.
Comment: The RAD51C c.667G>T (p.V223F ) variant has not been reported in the literature to our knowledge. It was not observed in the large and broad cohorts of the Genome Aggregation Database (PMID: 32461654). The variant has not been reported in ClinVar. In silico tools suggest the impact of the variant on protein function is inconclusive, though these predictions have not been confirmed by functional studies. The evidence is insufficient to meet ACMG/AMP criteria for classifying the variant as benign or pathogenic. Thus, the clinical significance of this variant is currently uncertain.

NM_058216.3(RAD51C):c.667G>T (p.Val223Phe)

Genes: RAD51C (RAD51 paralog C; plus strand), LOC129390903 (MPRA-validated peak2919 silencer; plus strand). Cytogenetic location: 17q22.
Variant type: single nucleotide variant.
Coding change: c.667G>T on transcript NM_058216.3 (MANE Select); coding-DNA position 667, G replaced by T.
Protein change: p.Val223Phe; replaces valine 223 with phenylalanine.
Molecular consequence: missense variant. On other transcripts: non-coding transcript variant (1).
Genome position (GRCh38, 1-based): chr17:58,703,291, G>T. VCF-style: chr17-58703291-G-T. GRCh37 (hg19) VCF-style: chr17-56780652-G-T.
Other names: short protein forms V223F.
Identifiers: ClinVar variation 1692066 (VCV001692066.5), dbSNP rs876660177, ClinGen allele CA400349843.